The following is an entry in ClinVar:

NM_006343.3(MERTK):c.475T>A (p.Ser159Thr)

Gene: MERTK (MER proto-oncogene, tyrosine kinase; plus strand). Cytogenetic location: 2q13.
Variant type: single nucleotide variant.
Coding change: c.475T>A on transcript NM_006343.3 (MANE Select); coding-DNA position 475, T replaced by A.
Protein change: p.Ser159Thr; replaces serine 159 with threonine.
Molecular consequence: missense variant.
Genome position (GRCh38, 1-based): chr2:111,929,533, T>A. VCF-style: chr2-111929533-T-A. GRCh37 (hg19) VCF-style: chr2-112687110-T-A.
Other names: c.475T>A (NM_006343.2); short protein forms S159T.
Identifiers: ClinVar variation 1025933 (VCV001025933.9), dbSNP rs768990836, ClinGen allele CA1831036.

ClinVar aggregate classification (germline): Uncertain significance. Review status: criteria provided, multiple submitters, no conflicts (2 of 4 stars). 3 submissions from 3 submitters: Uncertain significance (3). Last evaluated 2025-06-07.

Conditions:
Inborn genetic diseases. Identifiers: MedGen C0950123, MeSH D030342.

Allele frequency attached by ClinVar (database versions not stated): gnomAD 0.00007; TOPMed 0.00020; gnomAD exomes 0.00001 and 0.00004; ExAC 0.00001.
gnomAD v4.1: 35 of 1,611,876 alleles (0.0022%); highest among the groups gnomAD compares: Admixed American, 0.038%; no homozygotes.

Submissions (3):

Dasa
Classification: Uncertain significance. Last evaluated: 2025-06-07. Review status: criteria provided, single submitter. Criteria: DASA Assertion Criteria. Collection method: clinical testing. Allele origin: germline.
Comment: NM_006343.3(MERTK):c.475T>A (p.Ser159Thr) is a missense variant that results in the substitution of serine with threonine. This variant is rare in population databases. Computational prediction algorithms are consistent with a benign effect. The currently available literature and clinical evidence are not sufficient to establish a definitive association between this variant and the reported condition. Therefore, this variant is classified as a variant of uncertain significance.

Labcorp Genetics (formerly Invitae), Labcorp
Classification: Uncertain significance. Last evaluated: 2024-12-02. Review status: criteria provided, single submitter. Criteria: Invitae Variant Classification Sherloc (09022015). Collection method: clinical testing. Allele origin: germline.
Comment: This sequence change replaces serine, which is neutral and polar, with threonine, which is neutral and polar, at codon 159 of the MERTK protein (p.Ser159Thr). This variant is present in population databases (rs768990836, gnomAD 0.02%). This variant has not been reported in the literature in individuals affected with MERTK-related conditions. ClinVar contains an entry for this variant (Variation ID: 1025933). Invitae Evidence Modeling of protein sequence and biophysical properties (such as structural, functional, and spatial information, amino acid conservation, physicochemical variation, residue mobility, and thermodynamic stability) indicates that this missense variant is not expected to disrupt MERTK protein function with a negative predictive value of 80%. In summary, the available evidence is currently insufficient to determine the role of this variant in disease. Therefore, it has been classified as a Variant of Uncertain Significance.

Ambry Genetics
Classification: Uncertain significance for Inborn genetic diseases. Last evaluated: 2024-09-05. Review status: criteria provided, single submitter. Criteria: Ambry Variant Classification Scheme 2023. Collection method: clinical testing. Allele origin: germline.